The following is an entry in ClinVar:

NM_000238.4(KCNH2):c.244A>G (p.Ile82Val)

Gene: KCNH2 (potassium voltage-gated channel subfamily H member 2; minus strand). Cytogenetic location: 7q36.1.
Variant type: single nucleotide variant.
Coding change: c.244A>G on transcript NM_000238.4 (MANE Select); coding-DNA position 244, A replaced by G.
Protein change: p.Ile82Val; replaces isoleucine 82 with valine.
Molecular consequence: missense variant. On other transcripts: non-coding transcript variant (1).
Genome position (GRCh38, 1-based): chr7:150,974,774, T>C on the plus strand (A>G on the coding strand, the complement: KCNH2 is on the minus strand). VCF-style: chr7-150974774-T-C. GRCh37 (hg19) VCF-style: chr7-150671862-T-C.
Other names: c.67A>G, p.Ile23Val (NM_001406755.1); c.244A>G, p.Ile82Val (NM_172056.3); short protein forms I82V, I23V.
Identifiers: ClinVar variation 4731268 (VCV004731268.1).
Genomic context (GRCh38, chr7:150,974,774, plus strand): 5'-CTTTCCGGTAGAAGGCGATTTCCACTTTGCGCTCCTCGGCGCCCAGCAGTGCCTGCGCGA[T>C]CTGCGCGGCAGCGCGGCGCTGCGTGCGCGGCCCGTGCAGGAAGTCGCAGGTGCAGGGTCG-3'
Protein context (NP_000229.1, residues 72-92): PRTQRRAAAQ[Ile82Val]AQALLGAEER

ClinVar aggregate classification (germline): Uncertain significance (1 of 4 stars; one submission).

Conditions:
Long QT syndrome (LQTS). Identifiers: MedGen C0023976, MeSH D008133, MONDO:0002442. Disease mechanism: loss of function. Inheritance: Various modes of inheritance.

Submission:

Labcorp Genetics (formerly Invitae), Labcorp
Classification: Uncertain significance for Long QT syndrome. Last evaluated: 2025-11-16. Review status: criteria provided, single submitter. Criteria: Invitae Variant Classification Sherloc (09022015). Collection method: clinical testing. Allele origin: germline.
Comment: This sequence change replaces isoleucine, which is neutral and non-polar, with valine, which is neutral and non-polar, at codon 82 of the KCNH2 protein (p.Ile82Val). This variant is not present in population databases (gnomAD no frequency). This variant has not been reported in the literature in individuals affected with KCNH2-related conditions. An algorithm developed to predict the effect of missense changes on protein structure and function (PolyPhen-2) suggests that this variant is likely to be tolerated. In summary, the available evidence is currently insufficient to determine the role of this variant in disease. Therefore, it has been classified as a Variant of Uncertain Significance.